The following is an entry in ClinVar:

ClinVar aggregate classification (germline): Uncertain significance (1 of 4 stars; one submission).

Submission:

Labcorp Genetics (formerly Invitae), Labcorp
Classification: Uncertain significance. Last evaluated: 2025-11-21. Review status: criteria provided, single submitter. Criteria: Invitae Variant Classification Sherloc (09022015). Collection method: clinical testing. Allele origin: germline.
Comment: This sequence change replaces threonine, which is neutral and polar, with proline, which is neutral and non-polar, at codon 1724 of the POLE protein (p.Thr1724Pro). This variant is not present in population databases (gnomAD no frequency). This variant has not been reported in the literature in individuals affected with POLE-related conditions. ClinVar contains an entry for this variant (Variation ID: 858969). Invitae Evidence Modeling of protein sequence and biophysical properties (such as structural, functional, and spatial information, amino acid conservation, physicochemical variation, residue mobility, and thermodynamic stability) indicates that this missense variant is not expected to disrupt POLE protein function with a negative predictive value of 80%. In summary, the available evidence is currently insufficient to determine the role of this variant in disease. Therefore, it has been classified as a Variant of Uncertain Significance.

NM_006231.4(POLE):c.5170A>C (p.Thr1724Pro)

Gene: POLE (DNA polymerase epsilon, catalytic subunit; minus strand). Cytogenetic location: 12q24.33.
Variant type: single nucleotide variant.
Coding change: c.5170A>C on transcript NM_006231.4 (MANE Select); coding-DNA position 5170, A replaced by C.
Protein change: p.Thr1724Pro; replaces threonine 1724 with proline.
Molecular consequence: missense variant.
Genome position (GRCh38, 1-based): chr12:132,642,180, T>G on the plus strand (A>C on the coding strand, the complement: POLE is on the minus strand). VCF-style: chr12-132642180-T-G. GRCh37 (hg19) VCF-style: chr12-133218766-T-G.
Other names: short protein forms T1724P.
Identifiers: ClinVar variation 858969 (VCV000858969.9), dbSNP rs2042159985, ClinGen allele CA387376616.